The following is an entry in ClinVar:

ClinVar aggregate classification (germline): Uncertain significance. Review status: criteria provided, multiple submitters, no conflicts (2 of 4 stars). 2 submissions from 2 submitters: Uncertain significance (2). Last evaluated 2021-10-16.

Conditions:
Inborn genetic diseases. Identifiers: MedGen C0950123, MeSH D030342.
Pontocerebellar hypoplasia type 1A (PCH1A). Also called: PONTOCEREBELLAR HYPOPLASIA WITH ANTERIOR HORN CELL DISEASE; PONTOCEREBELLAR HYPOPLASIA WITH INFANTILE SPINAL MUSCULAR ATROPHY. Identifiers: Orphanet 2254, Orphanet 88616, MedGen C1843504, MONDO:0011866, OMIM 607596.

gnomAD v4.1: 1 of 1,613,748 alleles (0.000062%); highest among the groups gnomAD compares: Non-Finnish European, 0.000085%; no homozygotes.

Submissions (2):

Ambry Genetics
Classification: Uncertain significance for Inborn genetic diseases. Last evaluated: 2021-10-16. Review status: criteria provided, single submitter. Criteria: Ambry Variant Classification Scheme 2023. Collection method: clinical testing. Allele origin: germline.
Comment: The p.L184H variant (also known as c.551T>A), located in coding exon 6 of the VRK1 gene, results from a T to A substitution at nucleotide position 551. The leucine at codon 184 is replaced by histidine, an amino acid with similar properties. This amino acid position is conserved. In addition, this alteration is predicted to be deleterious by in silico analysis. Since supporting evidence is limited at this time, the clinical significance of this alteration remains unclear.

Labcorp Genetics (formerly Invitae), Labcorp
Classification: Uncertain significance for Pontocerebellar hypoplasia type 1A. Last evaluated: 2021-08-24. Review status: criteria provided, single submitter. Criteria: Invitae Variant Classification Sherloc (09022015). Collection method: clinical testing. Allele origin: germline.
Comment: This sequence change replaces leucine with histidine at codon 184 of the VRK1 protein (p.Leu184His). The leucine residue is highly conserved and there is a moderate physicochemical difference between leucine and histidine. This variant is not present in population databases (ExAC no frequency). This variant has not been reported in the literature in individuals affected with VRK1-related conditions. Algorithms developed to predict the effect of missense changes on protein structure and function are either unavailable or do not agree on the potential impact of this missense change (SIFT: "Deleterious"; PolyPhen-2: "Probably Damaging"; Align-GVGD: "Class C0"). In summary, the available evidence is currently insufficient to determine the role of this variant in disease. Therefore, it has been classified as a Variant of Uncertain Significance.

NM_003384.3(VRK1):c.551T>A (p.Leu184His)

Gene: VRK1 (VRK serine/threonine kinase 1; plus strand). Cytogenetic location: 14q32.2.
Variant type: single nucleotide variant.
Coding change: c.551T>A on transcript NM_003384.3 (MANE Select); coding-DNA position 551, T replaced by A.
Protein change: p.Leu184His; replaces leucine 184 with histidine.
Molecular consequence: missense variant.
Genome position (GRCh38, 1-based): chr14:96,853,141, T>A. VCF-style: chr14-96853141-T-A. GRCh37 (hg19) VCF-style: chr14-97319478-T-A.
Other names: short protein forms L184H.
Identifiers: ClinVar variation 837803 (VCV000837803.10), dbSNP rs1888017746, ClinGen allele CA390930618.